The following is an entry in ClinVar:

ClinVar aggregate classification (germline): Uncertain significance (1 of 4 stars; one submission).

Submission:

Labcorp Genetics (formerly Invitae), Labcorp
Classification: Uncertain significance. Last evaluated: 2025-11-19. Review status: criteria provided, single submitter. Criteria: Invitae Variant Classification Sherloc (09022015). Collection method: clinical testing. Allele origin: germline.
Comment: This sequence change replaces threonine, which is neutral and polar, with serine, which is neutral and polar, at codon 47 of the CAMK2B protein (p.Thr47Ser). This variant is not present in population databases (gnomAD no frequency). This variant has not been reported in the literature in individuals affected with CAMK2B-related conditions. An algorithm developed to predict the effect of missense changes on protein structure and function (PolyPhen-2) suggests that this variant is likely to be disruptive. In summary, the available evidence is currently insufficient to determine the role of this variant in disease. Therefore, it has been classified as a Variant of Uncertain Significance.

NM_001220.5(CAMK2B):c.139A>T (p.Thr47Ser)

Gene: CAMK2B (calcium/calmodulin dependent protein kinase II beta; minus strand). Cytogenetic location: 7p13.
Variant type: single nucleotide variant.
Coding change: c.139A>T on transcript NM_001220.5 (MANE Select); coding-DNA position 139, A replaced by T.
Protein change: p.Thr47Ser; replaces threonine 47 with serine.
Molecular consequence: missense variant.
Genome position (GRCh38, 1-based): chr7:44,284,152, T>A on the plus strand (A>T on the coding strand, the complement: CAMK2B is on the minus strand). VCF-style: chr7-44284152-T-A. GRCh37 (hg19) VCF-style: chr7-44323751-T-A.
Other names: c.139A>T, p.Thr47Ser (NM_001293170.2, NM_172078.3, NM_172079.3 and 5 more transcripts); short protein forms T47S.
Identifiers: ClinVar variation 4731556 (VCV004731556.1).